The following is an entry in ClinVar:

NM_030912.3(TRIM8):c.814C>T (p.Leu272Phe)

Gene: TRIM8 (tripartite motif containing 8; plus strand). Cytogenetic location: 10q24.32.
Variant type: single nucleotide variant.
Coding change: c.814C>T on transcript NM_030912.3 (MANE Select); coding-DNA position 814, C replaced by T.
Protein change: p.Leu272Phe; replaces leucine 272 with phenylalanine.
Molecular consequence: missense variant. On other transcripts: non-coding transcript variant (1).
Genome position (GRCh38, 1-based): chr10:102,655,227, C>T. VCF-style: chr10-102655227-C-T. GRCh37 (hg19) VCF-style: chr10-104414984-C-T.
Other names: c.718C>T, p.Leu240Phe (NM_001345950.1); short protein forms L240F, L272F.
Identifiers: ClinVar variation 1599321 (VCV001599321.12), dbSNP rs79218728, ClinGen allele CA5668168.

ClinVar aggregate classification (germline): Benign. Review status: criteria provided, multiple submitters, no conflicts (2 of 4 stars). 2 submissions from 2 submitters: Benign (2). Last evaluated 2026-02-01.

Allele frequency attached by ClinVar (database versions not stated): gnomAD 0.00080 and 0.00130; gnomAD exomes 0.00141 and 0.00304; TOPMed 0.00182; ExAC 0.00313; 1000 Genomes Project 30x 0.00531; 1000 Genomes Project 0.00639.
gnomAD v4.1: 2,212 of 1,605,180 alleles (0.14%); highest among the groups gnomAD compares: East Asian, 4.7%; 60 homozygotes.

Submissions (2):

CeGaT Center for Human Genetics Tuebingen
Classification: Benign. Last evaluated: 2026-02-01. Review status: criteria provided, single submitter. Criteria: CeGaT Center For Human Genetics Tuebingen Variant Classification Criteria Version 2. Collection method: clinical testing. Allele origin: germline. Affected: yes. Observed: 1 variant allele.
Comment: TRIM8: BS1, BS2

Labcorp Genetics (formerly Invitae), Labcorp
Classification: Benign. Last evaluated: 2026-01-21. Review status: criteria provided, single submitter. Criteria: Invitae Variant Classification Sherloc (09022015). Collection method: clinical testing. Allele origin: germline.